The following is an entry in ClinVar:

NM_203447.4(DOCK8):c.167A>G (p.Tyr56Cys)

Genes: DOCK8 (dedicator of cytokinesis 8; plus strand), LOC126860552 (BRD4-independent group 4 enhancer GRCh37_chr9:285795-286994; plus strand). Cytogenetic location: 9p24.3.
Variant type: single nucleotide variant.
Coding change: c.167A>G on transcript NM_203447.4 (MANE Select); coding-DNA position 167, A replaced by G.
Protein change: p.Tyr56Cys; replaces tyrosine 56 with cysteine.
Molecular consequence: missense variant. On other transcripts: 5 prime UTR variant (2).
Genome position (GRCh38, 1-based): chr9:286,471, A>G. VCF-style: chr9-286471-A-G. GRCh37 (hg19) VCF-style: chr9-286471-A-G.
Other names: c.-38A>G (NM_001190458.2, NM_001193536.2); short protein forms Y56C.
Identifiers: ClinVar variation 646974 (VCV000646974.10), dbSNP rs373301364, ClinGen allele CA4957126.

ClinVar aggregate classification (germline): Uncertain significance. Review status: criteria provided, multiple submitters, no conflicts (2 of 4 stars). 3 submissions from 3 submitters: Uncertain significance (3). Last evaluated 2024-10-12.

Conditions:
Inborn genetic diseases. Identifiers: MedGen C0950123, MeSH D030342.

Allele frequency attached by ClinVar (database versions not stated): gnomAD 0.00001; ExAC 0.00002; gnomAD exomes 0.00002 and 0.00004; TOPMed 0.00002; ESP Exome Variant Server 0.00008.
gnomAD v4.1: 55 of 1,613,722 alleles (0.0034%); highest among the groups gnomAD compares: Non-Finnish European, 0.0044%; no homozygotes.

Submissions (3):

Ambry Genetics
Classification: Uncertain significance for Inborn genetic diseases. Last evaluated: 2024-10-12. Review status: criteria provided, single submitter. Criteria: Ambry Variant Classification Scheme 2023. Collection method: clinical testing. Allele origin: germline.

Blueprint Genetics
Classification: Uncertain significance. Last evaluated: 2024-07-15. Review status: criteria provided, single submitter. Criteria: ACMG Guidelines, 2015. Collection method: clinical testing. Allele origin: germline.

Labcorp Genetics (formerly Invitae), Labcorp
Classification: Uncertain significance for Combined immunodeficiency due to DOCK8 deficiency. Last evaluated: 2024-02-17. Review status: criteria provided, single submitter. Criteria: Invitae Variant Classification Sherloc (09022015). Collection method: clinical testing. Allele origin: germline.
Comment: This sequence change replaces tyrosine, which is neutral and polar, with cysteine, which is neutral and slightly polar, at codon 56 of the DOCK8 protein (p.Tyr56Cys). This variant is present in population databases (rs373301364, gnomAD 0.004%). This variant has not been reported in the literature in individuals affected with DOCK8-related conditions. ClinVar contains an entry for this variant (Variation ID: 646974). An algorithm developed to predict the effect of missense changes on protein structure and function (PolyPhen-2) suggests that this variant is likely to be disruptive. In summary, the available evidence is currently insufficient to determine the role of this variant in disease. Therefore, it has been classified as a Variant of Uncertain Significance.